The following is an entry in ClinVar:

NM_003054.6(SLC18A2):c.1544GAGAT[1] (p.Ter515=)

Gene: SLC18A2 (solute carrier family 18 member A2; plus strand). Cytogenetic location: 10q25.3.
Variant type: Microsatellite.
Coding change: c.1544GAGAT[1] on transcript NM_003054.6 (MANE Select); one copy of the 5-base unit GAGAT starting at c.1544; the reference has two copies in a row; one copy, 5 bases deleted.
Protein change: p.Ter515=.
Molecular consequence: no sequence alteration.
Genome position (GRCh38, 1-based): chr10:117,277,270-117,277,274, GAGAT deleted; deleting any 5 consecutive bases within chr10:117,277,264-117,277,274 gives the same sequence; the position shown is the placement nearest the transcript's 3' end. VCF-style (leftmost placement, unchanged base first): chr10-117277263-CTGAGA-C. GRCh37 (hg19) VCF-style: chr10-119036774-CTGAGA-C.
Other names: c.*4_*8del5 (NM_003054.4).
Identifiers: ClinVar variation 1458309 (VCV001458309.10), dbSNP rs761665873, ClinGen allele CA5710694.

ClinVar aggregate classification (germline): Likely benign. Review status: criteria provided, single submitter (1 of 4 stars). 2 submissions from 2 submitters: Likely benign (1). 1 of the submissions does not count toward it. Last evaluated 2025-10-21.

Conditions:
SLC18A2-related disorder. Also called: SLC18A2-related condition.

Submissions (2):

Labcorp Genetics (formerly Invitae), Labcorp
Classification: Likely benign. Last evaluated: 2025-10-21. Review status: criteria provided, single submitter. Criteria: Invitae Variant Classification Sherloc (09022015). Collection method: clinical testing. Allele origin: germline.

PreventionGenetics, part of Exact Sciences
Classification: Likely benign for SLC18A2-related condition. Last evaluated: 2019-03-20. Review status: no assertion criteria provided. Collection method: clinical testing. Allele origin: germline. Not counted in ClinVar's aggregate classification.
Comment: This variant is classified as likely benign based on ACMG/AMP sequence variant interpretation guidelines (Richards et al. 2015 PMID: 25741868, with internal and published modifications).